The following is an entry in ClinVar:

ClinVar aggregate classification (germline): Conflicting classifications of pathogenicity. Review status: criteria provided, conflicting classifications (1 of 4 stars). 3 submissions from 3 submitters: Pathogenic (1); Likely pathogenic (1); Uncertain significance (1). Last evaluated 2026-06-13.

Conditions:
Hereditary cancer-predisposing syndrome. Also called: Neoplastic Syndromes, Hereditary; Tumor predisposition; Hereditary neoplastic syndrome; Hereditary Cancer Syndrome. Identifiers: Orphanet 140162, MedGen C0027672, MeSH D009386, MONDO:0015356.

Submissions (3):

GeneDx
Classification: Likely pathogenic. Last evaluated: 2026-06-13. Review status: criteria provided, single submitter. Criteria: GeneDx Variant Classification Process June 2021. Collection method: clinical testing. Allele origin: germline.
Comment: Identified in an individual with endometrial cancer (PMID: 33001133); Frameshift variant predicted to result in protein truncation or nonsense mediated decay in a gene for which loss of function is a known mechanism of disease; Not observed at significant frequency in large population cohorts (gnomAD); This variant is associated with the following publications: (PMID: 33001133)

Ambry Genetics
Classification: Uncertain significance for Hereditary cancer-predisposing syndrome. Last evaluated: 2026-01-09. Review status: criteria provided, single submitter. Criteria: Ambry Variant Classification Scheme 2023. Collection method: clinical testing. Allele origin: germline.
Comment: The c.806delC variant, located in coding exon 9 of the POLE gene, results from a deletion of one nucleotide at nucleotide position 806, causing a translational frameshift with a predicted alternate stop codon (p.P269Lfs*26). This alteration is expected to result in loss of function by premature protein truncation or nonsense-mediated mRNA decay. Although biallelic loss of function of POLE has been associated with autosomal recessive POLE deficiency, haploinsufficiency of POLE has not been established as a mechanism of disease for POLE-related polymerase proofreading-associated polyposis (PPAP) and POLE-related CMMRD-like syndrome. Based on the supporting evidence, this variant is expected to be causative of POLE deficiency when present along with a second pathogenic variant on the other allele; however, its clinical significance for PPAP and POLE-related CMMRD-like syndrome is unclear.

Labcorp Genetics (formerly Invitae), Labcorp
Classification: Pathogenic. Last evaluated: 2025-07-30. Review status: criteria provided, single submitter. Criteria: Invitae Variant Classification Sherloc (09022015). Collection method: clinical testing. Allele origin: germline.
Comment: This sequence change creates a premature translational stop signal (p.Pro269Leufs*26) in the POLE gene. It is expected to result in an absent or disrupted protein product. Loss-of-function variants in POLE are known to be pathogenic (PMID: 23230001, 25948378, 30503519). This variant is not present in population databases (gnomAD no frequency). This premature translational stop signal has been observed in individual(s) with endometrial cancer (PMID: 33001133). ClinVar contains an entry for this variant (Variation ID: 473833). For these reasons, this variant has been classified as Pathogenic.

Literature cited by the submitters: PubMed 23230001 (cited by Labcorp Genetics (formerly Invitae), Labcorp); PubMed 25948378 (cited by Labcorp Genetics (formerly Invitae), Labcorp); PubMed 30503519 (cited by Labcorp Genetics (formerly Invitae), Labcorp); PubMed 33001133 (cited by Labcorp Genetics (formerly Invitae), Labcorp).

NM_006231.4(POLE):c.806del (p.Pro269fs)

Gene: POLE (DNA polymerase epsilon, catalytic subunit; minus strand). Cytogenetic location: 12q24.33.
Variant type: Deletion.
Coding change: c.806del on transcript NM_006231.4 (MANE Select); coding-DNA position 806, one base deleted (C; older notation c.806delC).
Protein change: p.Pro269fs; shifts the reading frame from proline 269.
Molecular consequence: frameshift variant.
Genome position (GRCh38, 1-based): chr12:132,676,649, G deleted on the plus strand (C on the coding strand, the reverse complement: POLE is on the minus strand); the first of 3 consecutive G bases (chr12:132,676,649-132,676,651); deleting any one gives the same sequence. VCF-style (leftmost placement, unchanged base first): chr12-132676648-AG-A. GRCh37 (hg19) VCF-style: chr12-133253234-AG-A.
Other names: c.806del (NM_006231.2); c.806delC (NM_006231.3, NM_006231.2); short protein forms P269fs.
Identifiers: ClinVar variation 473833 (VCV000473833.18), dbSNP rs1435794183, ClinGen allele CA658658226.